The following is an entry in ClinVar:

ClinVar aggregate classification (germline): Uncertain significance. Review status: criteria provided, multiple submitters, no conflicts (2 of 4 stars). 2 submissions from 2 submitters: Uncertain significance (2). Last evaluated 2025-03-03.

Allele frequency attached by ClinVar (database versions not stated): gnomAD exomes 0.00001 and 0.00002; ExAC 0.00002; TOPMed 0.00002; gnomAD 0.00003; ESP Exome Variant Server 0.00008.
gnomAD v4.1: 29 of 1,613,978 alleles (0.0018%); highest among the groups gnomAD compares: Non-Finnish European, 0.0023%; no homozygotes.

Submissions (2):

Labcorp Genetics (formerly Invitae), Labcorp
Classification: Uncertain significance. Last evaluated: 2025-03-03. Review status: criteria provided, single submitter. Criteria: Invitae Variant Classification Sherloc (09022015). Collection method: clinical testing. Allele origin: germline.
Comment: This sequence change replaces arginine, which is basic and polar, with glutamine, which is neutral and polar, at codon 245 of the LRIT3 protein (p.Arg245Gln). This variant is present in population databases (rs367757242, gnomAD 0.002%). This variant has not been reported in the literature in individuals affected with LRIT3-related conditions. ClinVar contains an entry for this variant (Variation ID: 1494621). An algorithm developed to predict the effect of missense changes on protein structure and function (PolyPhen-2) suggests that this variant is likely to be tolerated. Algorithms developed to predict the effect of sequence changes on RNA splicing suggest that this variant may create or strengthen a splice site. In summary, the available evidence is currently insufficient to determine the role of this variant in disease. Therefore, it has been classified as a Variant of Uncertain Significance.

Blueprint Genetics
Classification: Uncertain significance. Last evaluated: 2024-02-20. Review status: criteria provided, single submitter. Criteria: ACMG Guidelines, 2015. Collection method: clinical testing. Allele origin: germline.

NM_198506.5(LRIT3):c.734G>A (p.Arg245Gln)

Gene: LRIT3 (leucine rich repeat, Ig-like and transmembrane domains 3; plus strand). Cytogenetic location: 4q25.
Variant type: single nucleotide variant.
Coding change: c.734G>A on transcript NM_198506.5 (MANE Select); coding-DNA position 734, G replaced by A.
Protein change: p.Arg245Gln; replaces arginine 245 with glutamine.
Molecular consequence: missense variant.
Genome position (GRCh38, 1-based): chr4:109,867,785, G>A. VCF-style: chr4-109867785-G-A. GRCh37 (hg19) VCF-style: chr4-110788941-G-A.
Other names: short protein forms R245Q.
Identifiers: ClinVar variation 1494621 (VCV001494621.9), dbSNP rs367757242, ClinGen allele CA3043056.